The following is an entry in ClinVar:

ClinVar aggregate classification (germline): Uncertain significance (1 of 4 stars; one submission).

Conditions:
Inborn genetic diseases. Identifiers: MedGen C0950123, MeSH D030342.

Submission:

Ambry Genetics
Classification: Uncertain significance for Inborn genetic diseases. Last evaluated: 2024-12-29. Review status: criteria provided, single submitter. Criteria: Ambry Variant Classification Scheme 2023. Collection method: clinical testing. Allele origin: germline.
Comment: The p.D578G variant (also known as c.1733A>G), located in coding exon 17 of the ANKRD26 gene, results from an A to G substitution at nucleotide position 1733. The aspartic acid at codon 578 is replaced by glycine, an amino acid with similar properties. This amino acid position is conserved. In addition, this alteration is predicted to be tolerated by in silico analysis. Based on the available evidence, the clinical significance of this variant remains unclear.

NM_014915.3(ANKRD26):c.1733A>G (p.Asp578Gly)

Gene: ANKRD26 (ankyrin repeat domain containing 26; minus strand). Cytogenetic location: 10p12.1.
Variant type: single nucleotide variant.
Coding change: c.1733A>G on transcript NM_014915.3 (MANE Select); coding-DNA position 1733, A replaced by G.
Protein change: p.Asp578Gly; replaces aspartic acid 578 with glycine.
Molecular consequence: missense variant.
Genome position (GRCh38, 1-based): chr10:27,048,882, T>C on the plus strand (A>G on the coding strand, the complement: ANKRD26 is on the minus strand). VCF-style: chr10-27048882-T-C. GRCh37 (hg19) VCF-style: chr10-27337811-T-C.
Other names: c.1733A>G, p.Asp578Gly (NM_001256053.2); short protein forms D578G.
Identifiers: ClinVar variation 3869772 (VCV003869772.1).